The following is an entry in ClinVar:

NM_173477.5(USH1G):c.601T>C (p.Tyr201His)

Gene: USH1G (USH1 protein network component sans; minus strand). Cytogenetic location: 17q25.1.
Variant type: single nucleotide variant.
Coding change: c.601T>C on transcript NM_173477.5 (MANE Select); coding-DNA position 601, T replaced by C.
Protein change: p.Tyr201His; replaces tyrosine 201 with histidine.
Molecular consequence: missense variant.
Genome position (GRCh38, 1-based): chr17:74,920,235, A>G on the plus strand (T>C on the coding strand, the complement: USH1G is on the minus strand). VCF-style: chr17-74920235-A-G. GRCh37 (hg19) VCF-style: chr17-72916330-A-G.
Other names: c.292T>C, p.Tyr98His (NM_001282489.3); short protein forms Y201H, Y98H.
Identifiers: ClinVar variation 1009512 (VCV001009512.7), dbSNP rs143458197, ClinGen allele CA8754036.

ClinVar aggregate classification (germline): Uncertain significance (1 of 4 stars; one submission).

Allele frequency attached by ClinVar (database versions not stated): gnomAD exomes below 0.00001 and 0.00001; gnomAD 0.00001; TOPMed 0.00002; ExAC 0.00003; ESP Exome Variant Server 0.00008.
gnomAD v4.1: 5 of 1,602,906 alleles (0.00031%); highest among the groups gnomAD compares: African/African-American, 0.004%; no homozygotes.

Submission:

Labcorp Genetics (formerly Invitae), Labcorp
Classification: Uncertain significance. Last evaluated: 2020-01-01. Review status: criteria provided, single submitter. Criteria: Invitae Variant Classification Sherloc (09022015). Collection method: clinical testing. Allele origin: germline.
Comment: This sequence change replaces tyrosine with histidine at codon 201 of the USH1G protein (p.Tyr201His). The tyrosine residue is highly conserved and there is a moderate physicochemical difference between tyrosine and histidine. In summary, the available evidence is currently insufficient to determine the role of this variant in disease. Therefore, it has been classified as a Variant of Uncertain Significance. Algorithms developed to predict the effect of missense changes on protein structure and function are either unavailable or do not agree on the potential impact of this missense change (SIFT: "Not Available"; PolyPhen-2: "Probably Damaging"; Align-GVGD: "Not Available"). This variant has not been reported in the literature in individuals with USH1G-related conditions. This variant is present in population databases (rs143458197, ExAC 0.02%).